The following is an entry in ClinVar:

ClinVar aggregate classification (germline): Uncertain significance (1 of 4 stars; one submission).

Submission:

GeneDx
Classification: Uncertain significance. Last evaluated: 2024-10-29. Review status: criteria provided, single submitter. Criteria: GeneDx Variant Classification Process June 2021. Collection method: clinical testing. Allele origin: germline. Affected: yes.
Comment: Not observed at significant frequency in large population cohorts (gnomAD); In silico analysis supports that this missense variant has a deleterious effect on protein structure/function; Has not been previously published as pathogenic or benign to our knowledge

NM_016284.5(CNOT1):c.2536G>A (p.Asp846Asn)

Gene: CNOT1 (CCR4-NOT transcription complex subunit 1; minus strand). Cytogenetic location: 16q21.
Variant type: single nucleotide variant.
Coding change: c.2536G>A on transcript NM_016284.5 (MANE Select); coding-DNA position 2536, G replaced by A.
Protein change: p.Asp846Asn; replaces aspartic acid 846 with asparagine.
Molecular consequence: missense variant. On other transcripts: non-coding transcript variant (1).
Genome position (GRCh38, 1-based): chr16:58,555,852, C>T on the plus strand (G>A on the coding strand, the complement: CNOT1 is on the minus strand). VCF-style: chr16-58555852-C-T. GRCh37 (hg19) VCF-style: chr16-58589756-C-T.
Other names: c.2521G>A, p.Asp841Asn (NM_001265612.2); c.2536G>A, p.Asp846Asn (NM_206999.3); short protein forms D841N, D846N.
Identifiers: ClinVar variation 3897430 (VCV003897430.1).